The following is an entry in ClinVar:

ClinVar aggregate classification (germline): Uncertain significance (1 of 4 stars; one submission).

Submission:

GeneDx
Classification: Uncertain significance. Last evaluated: 2021-05-28. Review status: criteria provided, single submitter. Criteria: GeneDx Variant Classification Process June 2021. Collection method: clinical testing. Allele origin: germline. Affected: yes.
Comment: Not observed at significant frequency in large population cohorts (Lek et al., 2016); In silico analysis supports that this missense variant has a deleterious effect on protein structure/function; Has not been previously published as pathogenic or benign to our knowledge; This variant is associated with the following publications: (PMID: 27535533)

NM_001100913.3(PACS2):c.85G>A (p.Glu29Lys)

Genes: BRF1 (BRF1 general transcription factor IIIB subunit; minus strand), PACS2 (phosphofurin acidic cluster sorting protein 2; plus strand), LOC130056677 (ATAC-STARR-seq lymphoblastoid silent region 6228; plus strand). Cytogenetic location: 14q32.33.
Variant type: single nucleotide variant.
Coding change: c.85G>A on transcript NM_001100913.3 (MANE Select); coding-DNA position 85, G replaced by A.
Protein change: p.Glu29Lys; replaces glutamic acid 29 with lysine.
Molecular consequence: missense variant. On other transcripts: intron variant (4).
Genome position (GRCh38, 1-based): chr14:105,315,003, G>A. VCF-style: chr14-105315003-G-A. GRCh37 (hg19) VCF-style: chr14-105781340-G-A.
Other names: c.85G>A, p.Glu29Lys (NM_015197.4); c.-162+319C>T (NM_001440451.1, NM_001242787.2, NM_001242786.2); c.-83+14024G>A (NM_001243127.3); short protein forms E29K.
Identifiers: ClinVar variation 1326531 (VCV001326531.4), dbSNP rs2140749009, ClinGen allele CA391191775.